The following is an entry in ClinVar:

NM_032119.4(ADGRV1):c.18209C>T (p.Thr6070Met)

Gene: ADGRV1 (adhesion G protein-coupled receptor V1; plus strand). Cytogenetic location: 5q14.3.
Variant type: single nucleotide variant.
Coding change: c.18209C>T on transcript NM_032119.4 (MANE Select); coding-DNA position 18209, C replaced by T.
Protein change: p.Thr6070Met; replaces threonine 6070 with methionine.
Molecular consequence: missense variant. On other transcripts: non-coding transcript variant (1).
Genome position (GRCh38, 1-based): chr5:91,072,503, C>T. VCF-style: chr5-91072503-C-T. GRCh37 (hg19) VCF-style: chr5-90368320-C-T.
Other names: short protein forms T6070M.
Identifiers: ClinVar variation 934499 (VCV000934499.10), dbSNP rs776008411, ClinGen allele CA3342591.

ClinVar aggregate classification (germline): Conflicting classifications of pathogenicity. Review status: criteria provided, conflicting classifications (1 of 4 stars). 3 submissions from 3 submitters: Uncertain significance (1); Likely benign (2). Last evaluated 2025-03-03.

Conditions:
Inborn genetic diseases. Identifiers: MedGen C0950123, MeSH D030342.

Allele frequency attached by ClinVar (database versions not stated): gnomAD exomes 0.00001 and 0.00002; ExAC 0.00002; gnomAD 0.00006; TOPMed 0.00009.
gnomAD v4.1: 37 of 1,613,620 alleles (0.0023%); highest among the groups gnomAD compares: African/African-American, 0.021%; no homozygotes.

Submissions (3):

Ambry Genetics
Classification: Likely benign for Inborn genetic diseases. Last evaluated: 2025-03-03. Review status: criteria provided, single submitter. Criteria: Ambry Variant Classification Scheme 2023. Collection method: clinical testing. Allele origin: germline.

Labcorp Genetics (formerly Invitae), Labcorp
Classification: Likely benign. Last evaluated: 2024-10-29. Review status: criteria provided, single submitter. Criteria: Invitae Variant Classification Sherloc (09022015). Collection method: clinical testing. Allele origin: germline.

GeneDx
Classification: Uncertain significance. Last evaluated: 2020-07-06. Review status: criteria provided, single submitter. Criteria: GeneDx Variant Classification Process June 2021. Collection method: clinical testing. Allele origin: germline. Affected: yes.
Comment: In silico analysis supports that this missense variant does not alter protein structure/function; Has not been previously published as pathogenic or benign to our knowledge